The following is an entry in ClinVar:

ClinVar aggregate classification (germline): Likely benign (1 of 4 stars; one submission).

Conditions:
Renal tubular dysgenesis. Also called: Renotubular dysgenesis. Identifiers: Orphanet 3033, MedGen C0266313, MONDO:0017609, HP:0008660.

Allele frequency attached by ClinVar (database versions not stated): gnomAD 0.00001 and 0.00019; TOPMed 0.00004; gnomAD exomes 0.00062; 1000 Genomes Project 30x 0.00125; 1000 Genomes Project 0.00160.

Submission:

Illumina Laboratory Services, Illumina
Classification: Likely benign for Renal tubular dysgenesis of genetic origin. Last evaluated: 2018-01-13. Review status: criteria provided, single submitter. Criteria: ICSL Variant Classification Criteria 13 December 2019. Collection method: clinical testing. Allele origin: germline.
Comment: This variant was observed in the ICSL laboratory as part of a predisposition screen in an ostensibly healthy population. It had not been previously curated by ICSL or reported in the Human Gene Mutation Database (HGMD: prior to June 1st, 2018), and was therefore a candidate for classification through an automated scoring system. Utilizing variant allele frequency, disease prevalence and penetrance estimates, and inheritance mode, an automated score was calculated to assess if this variant is too frequent to cause the disease. Based on the score and internal cut-off values, a variant classified as likely benign is not then subjected to further curation. The score for this variant resulted in a classification of likely benign for this disease.

NM_000789.4(ACE):c.*438G>T

Gene: ACE (angiotensin I converting enzyme; plus strand). Cytogenetic location: 17q23.3.
Variant type: single nucleotide variant.
Coding change: c.*438G>T on transcript NM_000789.4 (MANE Select); 438 bases downstream of the stop codon, G replaced by T.
Molecular consequence: 3 prime UTR variant.
Genome position (GRCh38, 1-based): chr17:63,497,804, G>T. VCF-style: chr17-63497804-G-T. GRCh37 (hg19) VCF-style: chr17-61575165-G-T.
Other names: c.*438G>T (NM_001178057.2, NM_152830.3).
Identifiers: ClinVar variation 889024 (VCV000889024.4), dbSNP rs545604288, ClinGen allele CA292890692.